The following is an entry in ClinVar:

ClinVar aggregate classification (germline): Uncertain significance (1 of 4 stars; one submission).

Submission:

Labcorp Genetics (formerly Invitae), Labcorp
Classification: Uncertain significance. Last evaluated: 2022-03-06. Review status: criteria provided, single submitter. Criteria: Invitae Variant Classification Sherloc (09022015). Collection method: clinical testing. Allele origin: germline.
Comment: This sequence change replaces asparagine, which is neutral and polar, with histidine, which is basic and polar, at codon 1194 of the SCN3A protein (p.Asn1194His). This variant is not present in population databases (gnomAD no frequency). This variant has not been reported in the literature in individuals affected with SCN3A-related conditions. Algorithms developed to predict the effect of missense changes on protein structure and function are either unavailable or do not agree on the potential impact of this missense change (SIFT: "Deleterious"; PolyPhen-2: "Probably Damaging"; Align-GVGD: "Class C0"). In summary, the available evidence is currently insufficient to determine the role of this variant in disease. Therefore, it has been classified as a Variant of Uncertain Significance.

NM_006922.4(SCN3A):c.3580A>C (p.Asn1194His)

Gene: SCN3A (sodium voltage-gated channel alpha subunit 3; minus strand). Cytogenetic location: 2q24.3.
Variant type: single nucleotide variant.
Coding change: c.3580A>C on transcript NM_006922.4 (MANE Select); coding-DNA position 3580, A replaced by C.
Protein change: p.Asn1194His; replaces asparagine 1194 with histidine.
Molecular consequence: missense variant.
Genome position (GRCh38, 1-based): chr2:165,113,905, T>G on the plus strand (A>C on the coding strand, the complement: SCN3A is on the minus strand). VCF-style: chr2-165113905-T-G. GRCh37 (hg19) VCF-style: chr2-165970415-T-G.
Other names: c.3433A>C, p.Asn1145His (NM_001081676.2, NM_001081677.2); short protein forms N1145H, N1194H.
Identifiers: ClinVar variation 2107402 (VCV002107402.4), dbSNP rs2468156187, ClinGen allele CA349033824.
Genomic context (GRCh38, chr2:165,113,905, plus strand): 5'-ACACAATGAAAGTCTCAAACCAGTTGTGCTCAACAATACTGTAGCAGGTTTTTCGAAGAT[T>G]CCACCAGATCTTCCCTTTGCCTTCTTCTGTACTTACTTGACAGAATGGAAACTTTTTAAT-3'
Protein context (NP_008853.3, residues 1184-1204): TEEGKGKIWW[Asn1194His]LRKTCYSIVE